The following is an entry in ClinVar:

NM_001378454.1(ALMS1):c.571G>T (p.Glu191Ter)

Gene: ALMS1 (ALMS1 centrosome and basal body associated protein; plus strand). Cytogenetic location: 2p13.1.
Variant type: single nucleotide variant.
Coding change: c.571G>T on transcript NM_001378454.1 (MANE Select); coding-DNA position 571, G replaced by T.
Protein change: p.Glu191Ter; replaces glutamic acid 191 with a stop codon.
Molecular consequence: nonsense.
Genome position (GRCh38, 1-based): chr2:73,419,243, G>T. VCF-style: chr2-73419243-G-T. GRCh37 (hg19) VCF-style: chr2-73646371-G-T.
Other names: c.574G>T, p.Glu192Ter (NM_015120.4); short protein forms E192*, E191*.
Identifiers: ClinVar variation 1459437 (VCV001459437.6), dbSNP rs765553310, ClinGen allele CA1712886.

ClinVar aggregate classification (germline): Pathogenic (1 of 4 stars; one submission).

Conditions:
Alstrom syndrome (ALMS). Identifiers: Orphanet 64, MedGen C0268425, MONDO:0008763, OMIM 203800.

Allele frequency attached by ClinVar (database versions not stated): ExAC 0.00001.
gnomAD v4.1: 2 of 1,613,922 alleles (0.00012%); highest among the groups gnomAD compares: African/African-American, 0.0027%; no homozygotes.

Submission:

Labcorp Genetics (formerly Invitae), Labcorp
Classification: Pathogenic for Alstrom syndrome. Last evaluated: 2021-08-20. Review status: criteria provided, single submitter. Criteria: Invitae Variant Classification Sherloc (09022015). Collection method: clinical testing. Allele origin: germline.
Comment: For these reasons, this variant has been classified as Pathogenic. This variant has not been reported in the literature in individuals affected with ALMS1-related conditions. This variant is present in population databases (rs765553310, ExAC 0.01%). This sequence change creates a premature translational stop signal (p.Glu192*) in the ALMS1 gene. It is expected to result in an absent or disrupted protein product. Loss-of-function variants in ALMS1 are known to be pathogenic (PMID: 17594715).

Literature cited by the submitters: PubMed 17594715.